The following is an entry in ClinVar:

NM_001365480.1(CCDC88A):c.5450G>A (p.Arg1817Gln)

Gene: CCDC88A (coiled-coil domain containing 88A; minus strand). Cytogenetic location: 2p16.1.
Variant type: single nucleotide variant.
Coding change: c.5450G>A on transcript NM_001365480.1 (MANE Select); coding-DNA position 5450, G replaced by A.
Protein change: p.Arg1817Gln; replaces arginine 1817 with glutamine.
Molecular consequence: missense variant.
Genome position (GRCh38, 1-based): chr2:55,295,698, C>T on the plus strand (G>A on the coding strand, the complement: CCDC88A is on the minus strand). VCF-style: chr2-55295698-C-T. GRCh37 (hg19) VCF-style: chr2-55522834-C-T.
Other names: c.5366G>A, p.Arg1789Gln (NM_018084.5); c.5447G>A, p.Arg1816Gln (NM_001135597.2); c.5225G>A, p.Arg1742Gln (NM_001254943.2); short protein forms R1789Q, R1742Q, R1816Q, R1817Q.
Identifiers: ClinVar variation 1518634 (VCV001518634.5), dbSNP rs778440423, ClinGen allele CA1665322.

ClinVar aggregate classification (germline): Uncertain significance (1 of 4 stars; one submission).

Allele frequency attached by ClinVar (database versions not stated): gnomAD exomes below 0.00001 and 0.00001; ExAC 0.00001; gnomAD 0.00001; TOPMed 0.00001.
gnomAD v4.1: 7 of 1,614,042 alleles (0.00043%); highest among the groups gnomAD compares: East Asian, 0.0022%; no homozygotes.

Submission:

Labcorp Genetics (formerly Invitae), Labcorp
Classification: Uncertain significance. Last evaluated: 2022-08-15. Review status: criteria provided, single submitter. Criteria: Invitae Variant Classification Sherloc (09022015). Collection method: clinical testing. Allele origin: germline.
Comment: This sequence change replaces arginine, which is basic and polar, with glutamine, which is neutral and polar, at codon 1816 of the CCDC88A protein (p.Arg1816Gln). This variant is present in population databases (rs778440423, gnomAD 0.003%). This variant has not been reported in the literature in individuals affected with CCDC88A-related conditions. ClinVar contains an entry for this variant (Variation ID: 1518634). Algorithms developed to predict the effect of missense changes on protein structure and function are either unavailable or do not agree on the potential impact of this missense change (SIFT: "Deleterious"; PolyPhen-2: "Probably Damaging"; Align-GVGD: "Class C0"). In summary, the available evidence is currently insufficient to determine the role of this variant in disease. Therefore, it has been classified as a Variant of Uncertain Significance.